The following is an entry in ClinVar:

ClinVar aggregate classification (germline): Conflicting classifications of pathogenicity. Review status: criteria provided, conflicting classifications (1 of 4 stars). 3 submissions from 3 submitters: Likely pathogenic (2); Uncertain significance (1). Last evaluated 2022-06-13.

Conditions:
Glycogen storage disease due to muscle and heart glycogen synthase deficiency. Also called: GSD 0b; MUSCLE GLYCOGEN SYNTHASE DEFICIENCY. Identifiers: Orphanet 137625, MedGen C1969054, MONDO:0012693, OMIM 611556.

Allele frequency attached by ClinVar (database versions not stated): TOPMed 0.00002; ExAC 0.00003.

Submissions (3):

Labcorp Genetics (formerly Invitae), Labcorp
Classification: Uncertain significance for Glycogen storage disease due to muscle and heart glycogen synthase deficiency. Last evaluated: 2022-06-13. Review status: criteria provided, single submitter. Criteria: Invitae Variant Classification Sherloc (09022015). Collection method: clinical testing. Allele origin: germline.
Comment: This sequence change affects the initiator methionine of the GYS1 mRNA. The next in-frame methionine is located at codon 9. This variant is present in population databases (rs748334413, gnomAD 0.03%). This variant has not been reported in the literature in individuals affected with GYS1-related conditions. ClinVar contains an entry for this variant (Variation ID: 430320). In summary, the available evidence is currently insufficient to determine the role of this variant in disease. Therefore, it has been classified as a Variant of Uncertain Significance.

Revvity Omics, Revvity
Classification: Likely pathogenic for Glycogen storage disease due to muscle and heart glycogen synthase deficiency. Last evaluated: 2020-03-06. Review status: criteria provided, single submitter. Criteria: ACMG Guidelines, 2015. Collection method: clinical testing. Allele origin: germline.

GeneDx
Classification: Likely pathogenic. Last evaluated: 2016-03-04. Review status: criteria provided, single submitter. Criteria: GeneDx Variant Classification (06012015). Collection method: clinical testing. Allele origin: germline. Affected: yes.
Comment: The c.1 A>C variant in the GYS1 has not been published as a pathogenic variant, nor has it been reported as a benign variant to our knowledge. This variant alters the initiator Methionine codon, and the resultant protein would be described as p.Met1?" using a question mark to signify that it is not known if the loss of Met1 means that all protein translation is completely prevented or if an abnormal protein is produced using an alternate Met. Therefore, we interpret c.1 A>C to be a likely pathogenic variant; however, the possibility that it is benign cannot be excluded."

NM_002103.5(GYS1):c.1A>C (p.Met1Leu)

Gene: GYS1 (glycogen synthase 1; minus strand). Cytogenetic location: 19q13.33.
Variant type: single nucleotide variant.
Coding change: c.1A>C on transcript NM_002103.5 (MANE Select); coding-DNA position 1, A replaced by C.
Protein change: p.Met1Leu; changes the start codon (methionine 1).
Molecular consequence: missense variant, initiator codon variant. On other transcripts: non-coding transcript variant (1).
Genome position (GRCh38, 1-based): chr19:48,993,112, T>G on the plus strand (A>C on the coding strand, the complement: GYS1 is on the minus strand). VCF-style: chr19-48993112-T-G. GRCh37 (hg19) VCF-style: chr19-49496369-T-G.
Other names: c.1A>C, p.Met1Leu (NM_001161587.2); short protein forms M1L.
Identifiers: ClinVar variation 430320 (VCV000430320.12), dbSNP rs748334413, ClinGen allele CA9563479.